The following is an entry in ClinVar:

NM_001128225.3(SLC39A13):c.265A>G (p.Ile89Val)

Gene: SLC39A13 (solute carrier family 39 member 13; plus strand). Cytogenetic location: 11p11.2.
Variant type: single nucleotide variant.
Coding change: c.265A>G on transcript NM_001128225.3 (MANE Select); coding-DNA position 265, A replaced by G.
Protein change: p.Ile89Val; replaces isoleucine 89 with valine.
Molecular consequence: missense variant. On other transcripts: non-coding transcript variant (1).
Genome position (GRCh38, 1-based): chr11:47,410,359, A>G. VCF-style: chr11-47410359-A-G. GRCh37 (hg19) VCF-style: chr11-47431910-A-G.
Other names: c.265A>G, p.Ile89Val (NM_001330245.2, NM_152264.5); short protein forms I89V.
Identifiers: ClinVar variation 573374 (VCV000573374.9), dbSNP rs754729494, ClinGen allele CA221687409.

ClinVar aggregate classification (germline): Uncertain significance (1 of 4 stars; one submission).

Conditions:
Ehlers-Danlos syndrome, spondylodysplastic type, 3. Also called: Ehlers-Danlos syndrome, spondylocheirodysplastic type. Identifiers: Orphanet 157965, MedGen C2676510, MONDO:0012873, OMIM 612350.

Submission:

Labcorp Genetics (formerly Invitae), Labcorp
Classification: Uncertain significance for Ehlers-Danlos syndrome, spondylodysplastic type, 3. Last evaluated: 2018-06-04. Review status: criteria provided, single submitter. Criteria: Invitae Variant Classification Sherloc (09022015). Collection method: clinical testing. Allele origin: germline.
Comment: This sequence change replaces isoleucine with valine at codon 89 of the SLC39A13 protein (p.Ile89Val). The isoleucine residue is highly conserved and there is a small physicochemical difference between isoleucine and valine. This variant is not present in population databases (ExAC no frequency). This variant has not been reported in the literature in individuals with SLC39A13-related disease. Algorithms developed to predict the effect of missense changes on protein structure and function (SIFT, PolyPhen-2, Align-GVGD) all suggest that this variant is likely to be tolerated, but these predictions have not been confirmed by published functional studies and their clinical significance is uncertain. In summary, the available evidence is currently insufficient to determine the role of this variant in disease. Therefore, it has been classified as a Variant of Uncertain Significance.